The following is an entry in ClinVar:

ClinVar aggregate classification (germline): Uncertain significance. Review status: criteria provided, multiple submitters, no conflicts (2 of 4 stars). 3 submissions from 3 submitters: Uncertain significance (3). Last evaluated 2022-10-27.

Allele frequency attached by ClinVar (database versions not stated): gnomAD 0.00001; gnomAD exomes 0.00001; TOPMed 0.00002.
gnomAD v4.1: 10 of 1,551,556 alleles (0.00064%); highest among the groups gnomAD compares: Non-Finnish European, 0.00087%; no homozygotes.

Submissions (3):

Ambry Genetics
Classification: Uncertain significance. Last evaluated: 2022-10-27. Review status: criteria provided, single submitter. Criteria: Ambry Variant Classification Scheme 2023. Collection method: clinical testing. Allele origin: germline.

Labcorp Genetics (formerly Invitae), Labcorp
Classification: Uncertain significance. Last evaluated: 2022-03-18. Review status: criteria provided, single submitter. Criteria: Invitae Variant Classification Sherloc (09022015). Collection method: clinical testing. Allele origin: germline.
Comment: This variant has not been reported in the literature in individuals affected with FAM65B-related conditions. Algorithms developed to predict the effect of missense changes on protein structure and function are either unavailable or do not agree on the potential impact of this missense change (SIFT: "Tolerated"; PolyPhen-2: "Possibly Damaging"; Align-GVGD: "Class C0"). In summary, the available evidence is currently insufficient to determine the role of this variant in disease. Therefore, it has been classified as a Variant of Uncertain Significance. This variant is not present in population databases (gnomAD no frequency). This sequence change replaces aspartic acid, which is acidic and polar, with glycine, which is neutral and non-polar, at codon 673 of the FAM65B protein (p.Asp673Gly).

Blueprint Genetics
Classification: Uncertain significance. Last evaluated: 2019-02-11. Review status: criteria provided, single submitter. Criteria: ACMG Guidelines, 2015. Collection method: clinical testing. Allele origin: germline.

NM_001286445.3(RIPOR2):c.1955A>G (p.Asp652Gly)

Gene: RIPOR2 (RHO family interacting cell polarization regulator 2; minus strand). Cytogenetic location: 6p22.3.
Variant type: single nucleotide variant.
Coding change: c.1955A>G on transcript NM_001286445.3 (MANE Select); coding-DNA position 1955, A replaced by G.
Protein change: p.Asp652Gly; replaces aspartic acid 652 with glycine.
Molecular consequence: missense variant.
Genome position (GRCh38, 1-based): chr6:24,839,175, T>C on the plus strand (A>G on the coding strand, the complement: RIPOR2 is on the minus strand). VCF-style: chr6-24839175-T-C. GRCh37 (hg19) VCF-style: chr6-24839403-T-C.
Other names: c.1868A>G, p.Asp623Gly (NM_001346031.2, NM_001346032.2); c.2018A>G, p.Asp673Gly (NM_014722.5); c.2018A>G (NM_014722.2); short protein forms D652G, D673G, D623G.
Identifiers: ClinVar variation 1946294 (VCV001946294.7), dbSNP rs1318218928, ClinGen allele CA362992966.